The following is an entry in ClinVar:

ClinVar aggregate classification (germline): Uncertain significance. Review status: criteria provided, multiple submitters, no conflicts (2 of 4 stars). 3 submissions from 3 submitters: Uncertain significance (3). Last evaluated 2025-10-28.

Conditions:
Catecholaminergic polymorphic ventricular tachycardia (CVPT). Also called: Catecholamine-induced polymorphic ventricular tachycardia. Identifiers: Orphanet 3286, MedGen C5574922, MONDO:0017990.
Cardiomyopathy (CMYO). Also called: Cardiomyopathies. Identifiers: Orphanet 167848, MedGen C0878544, MONDO:0004994, HP:0001638. Inheritance: Various modes of inheritance.
Catecholaminergic polymorphic ventricular tachycardia 1. Also called: VENTRICULAR TACHYCARDIA, CATECHOLAMINERGIC POLYMORPHIC, 1, WITH OR WITHOUT ATRIAL DYSFUNCTION AND/OR DILATED CARDIOMYOPATHY; RYR2-Related Catecholaminergic Polymorphic Ventricular Tachycardia; VENTRICULAR TACHYCARDIA, STRESS-INDUCED POLYMORPHIC 1. Identifiers: Orphanet 3286, MedGen C1631597, MONDO:0011484, OMIM 604772.

Allele frequency attached by ClinVar (database versions not stated): gnomAD exomes below 0.00001.
gnomAD v4.1: 21 of 1,613,926 alleles (0.0013%); highest among the groups gnomAD compares: Non-Finnish European, 0.0018%; no homozygotes.

Submissions (3):

Labcorp Genetics (formerly Invitae), Labcorp
Classification: Uncertain significance for Catecholaminergic polymorphic ventricular tachycardia 1. Last evaluated: 2025-10-28. Review status: criteria provided, single submitter. Criteria: Invitae Variant Classification Sherloc (09022015). Collection method: clinical testing. Allele origin: germline.
Comment: This sequence change replaces tryptophan, which is neutral and slightly polar, with serine, which is neutral and polar, at codon 713 of the RYR2 protein (p.Trp713Ser). This variant is not present in population databases (gnomAD no frequency). This variant has not been reported in the literature in individuals affected with RYR2-related conditions. ClinVar contains an entry for this variant (Variation ID: 1437024). Invitae Evidence Modeling of protein sequence and biophysical properties (such as structural, functional, and spatial information, amino acid conservation, physicochemical variation, residue mobility, and thermodynamic stability) indicates that this missense variant is not expected to disrupt RYR2 protein function with a negative predictive value of 95%. In summary, the available evidence is currently insufficient to determine the role of this variant in disease. Therefore, it has been classified as a Variant of Uncertain Significance.

All of Us Research Program, National Institutes of Health
Classification: Uncertain significance for Catecholaminergic polymorphic ventricular tachycardia. Last evaluated: 2024-08-06. Review status: criteria provided, single submitter. Criteria: ACMG Guidelines, 2015. Collection method: clinical testing. Allele origin: germline. Inheritance: Autosomal dominant inheritance. Observed: 3 variant alleles, 3 heterozygotes.
Comment: This missense variant replaces tryptophan with serine at codon 713 of the RYR2 protein. Computational prediction is inconclusive regarding the impact of this variant on protein structure and function (internally defined REVEL score threshold 0.5 < inconclusive < 0.7, PMID: 27666373). To our knowledge, functional studies have not been reported for this variant. This variant has not been reported in individuals affected with cardiovascular disorders in the literature. This variant has been identified in 1/249224 chromosomes in the general population by the Genome Aggregation Database (gnomAD). The available evidence is insufficient to determine the role of this variant in disease conclusively. Therefore, this variant is classified as a Variant of Uncertain Significance.

This study involves interpretation of variants in research participants for the purpose of population health screening. Participant phenotype was not available at the time of variant classification. Additional details can be found in publication PMID: 35346344, PMCID: PMC8962531

Color Diagnostics, LLC DBA Color Health
Classification: Uncertain significance for Cardiomyopathy. Last evaluated: 2024-03-07. Review status: criteria provided, single submitter. Criteria: ACMG Guidelines, 2015. Collection method: clinical testing. Allele origin: germline.
Comment: This missense variant replaces tryptophan with serine at codon 713 of the RYR2 protein. Computational prediction is inconclusive regarding the impact of this variant on protein structure and function (internally defined REVEL score threshold 0.5 < inconclusive < 0.7, PMID: 27666373). To our knowledge, functional studies have not been reported for this variant. This variant has not been reported in individuals affected with cardiovascular disorders in the literature. This variant has been identified in 1/249224 chromosomes in the general population by the Genome Aggregation Database (gnomAD). The available evidence is insufficient to determine the role of this variant in disease conclusively. Therefore, this variant is classified as a Variant of Uncertain Significance.

NM_001035.3(RYR2):c.2138G>C (p.Trp713Ser)

Gene: RYR2 (ryanodine receptor 2; plus strand). Cytogenetic location: 1q43.
Variant type: single nucleotide variant.
Coding change: c.2138G>C on transcript NM_001035.3 (MANE Select); coding-DNA position 2138, G replaced by C.
Protein change: p.Trp713Ser; replaces tryptophan 713 with serine.
Molecular consequence: missense variant.
Genome position (GRCh38, 1-based): chr1:237,496,687, G>C. VCF-style: chr1-237496687-G-C. GRCh37 (hg19) VCF-style: chr1-237659987-G-C.
Other names: short protein forms W713S.
Identifiers: ClinVar variation 1437024 (VCV001437024.11), dbSNP rs1553473238, ClinGen allele CA008691.